The following is an entry in ClinVar:

ClinVar aggregate classification (germline): Uncertain significance. Review status: criteria provided, multiple submitters, no conflicts (2 of 4 stars). 4 submissions from 4 submitters: Uncertain significance (4). Last evaluated 2025-06-10.

Conditions:
Spastic paraplegia. Identifiers: MedGen C0037772, HP:0001258.
Inborn genetic diseases. Identifiers: MedGen C0950123, MeSH D030342.

Allele frequency attached by ClinVar (database versions not stated): gnomAD exomes below 0.00001 and 0.00002; TOPMed below 0.00001; ExAC 0.00001; gnomAD 0.00001; 1000 Genomes Project 30x 0.00016; 1000 Genomes Project 0.00020.
gnomAD v4.1: 28 of 1,613,032 alleles (0.0017%); highest among the groups gnomAD compares: Middle Eastern, 0.033%; 1 homozygote.

Submissions (4):

Ambry Genetics
Classification: Uncertain significance for Inborn genetic diseases. Last evaluated: 2025-06-10. Review status: criteria provided, single submitter. Criteria: Ambry Variant Classification Scheme 2023. Collection method: clinical testing. Allele origin: germline.

Blueprint Genetics
Classification: Uncertain significance. Last evaluated: 2024-11-11. Review status: criteria provided, single submitter. Criteria: ACMG Guidelines, 2015. Collection method: clinical testing. Allele origin: germline.

GeneDx
Classification: Uncertain significance. Last evaluated: 2022-08-23. Review status: criteria provided, single submitter. Criteria: GeneDx Variant Classification Process June 2021. Collection method: clinical testing. Allele origin: germline. Affected: yes.
Comment: Not observed at a significant frequency in large population cohorts (gnomAD); In silico analysis supports that this missense variant does not alter protein structure/function; Has not been previously published as pathogenic or benign to our knowledge

Labcorp Genetics (formerly Invitae), Labcorp
Classification: Uncertain significance for Spastic paraplegia. Last evaluated: 2022-01-15. Review status: criteria provided, single submitter. Criteria: Invitae Variant Classification Sherloc (09022015). Collection method: clinical testing. Allele origin: germline.
Comment: Algorithms developed to predict the effect of missense changes on protein structure and function are either unavailable or do not agree on the potential impact of this missense change (SIFT: "Deleterious"; PolyPhen-2: "Probably Damaging"; Align-GVGD: "Class C0"). In summary, the available evidence is currently insufficient to determine the role of this variant in disease. Therefore, it has been classified as a Variant of Uncertain Significance. This sequence change replaces leucine, which is neutral and non-polar, with methionine, which is neutral and non-polar, at codon 346 of the AP4E1 protein (p.Leu346Met). This variant is present in population databases (rs201394319, gnomAD 0.007%). This variant has not been reported in the literature in individuals affected with AP4E1-related conditions. ClinVar contains an entry for this variant (Variation ID: 946833).

NM_007347.5(AP4E1):c.1036C>A (p.Leu346Met)

Gene: AP4E1 (adaptor related protein complex 4 subunit epsilon 1; plus strand). Cytogenetic location: 15q21.2.
Variant type: single nucleotide variant.
Coding change: c.1036C>A on transcript NM_007347.5 (MANE Select); coding-DNA position 1036, C replaced by A.
Protein change: p.Leu346Met; replaces leucine 346 with methionine.
Molecular consequence: missense variant.
Genome position (GRCh38, 1-based): chr15:50,941,534, C>A. VCF-style: chr15-50941534-C-A. GRCh37 (hg19) VCF-style: chr15-51233731-C-A.
Other names: c.1036C>A (NM_007347.3); c.811C>A, p.Leu271Met (NM_001252127.2); short protein forms L346M, L271M.
Identifiers: ClinVar variation 946833 (VCV000946833.14), dbSNP rs201394319, ClinGen allele CA7558949.